The following is an entry in ClinVar:

NM_001330078.2(NRXN1):c.2278T>C (p.Ser760Pro)

Gene: NRXN1 (neurexin 1; minus strand). Cytogenetic location: 2p16.3.
Variant type: single nucleotide variant.
Coding change: c.2278T>C on transcript NM_001330078.2 (MANE Select); coding-DNA position 2278, T replaced by C.
Protein change: p.Ser760Pro; replaces serine 760 with proline.
Molecular consequence: missense variant.
Genome position (GRCh38, 1-based): chr2:50,531,296, A>G on the plus strand (T>C on the coding strand, the complement: NRXN1 is on the minus strand). VCF-style: chr2-50531296-A-G. GRCh37 (hg19) VCF-style: chr2-50758434-A-G.
Other names: c.2398T>C, p.Ser800Pro (NM_001135659.3); c.2254T>C, p.Ser752Pro (NM_001330077.2, NM_001330082.2, NM_001330095.2); c.2239T>C, p.Ser747Pro (NM_001330083.2, NM_001330084.2); c.2278T>C, p.Ser760Pro (NM_001330085.2, NM_001330086.2, NM_004801.6); c.2194T>C, p.Ser732Pro (NM_001330087.2, NM_001330096.2); c.2224T>C, p.Ser742Pro (NM_001330088.2); c.2275T>C, p.Ser759Pro (NM_001330093.2); c.2266T>C, p.Ser756Pro (NM_001330094.2); short protein forms S732P, S752P, S759P, S800P, S742P, S756P, S747P, S760P.
Identifiers: ClinVar variation 2768145 (VCV002768145.3), dbSNP rs2465580331, ClinGen allele CA346769541.
Genomic context (GRCh38, chr2:50,531,296, plus strand): 5'-CCGTCAGTTTCACACGTCCTGCGTCTAGCTCCAGGCGGAGGGTGTCAGCAGAGTCTCTAG[A>G]AGTGGTTGCCATCAGAATGCCATATGCACGCTGGGATCGGAACCGTAAGGAAACATCCTC-3'
Protein context (NP_001317007.1, residues 750-770): RAYGILMATT[Ser760Pro]RDSADTLRLE

ClinVar aggregate classification (germline): Uncertain significance (1 of 4 stars; one submission).

Conditions:
Pitt-Hopkins-like syndrome 2 (PTHSL2). Identifiers: Orphanet 221150, Orphanet 600663, MedGen C3280479, MONDO:0013690, OMIM 614325.

Submission:

Labcorp Genetics (formerly Invitae), Labcorp
Classification: Uncertain significance for Pitt-Hopkins-like syndrome 2. Last evaluated: 2023-10-13. Review status: criteria provided, single submitter. Criteria: Invitae Variant Classification Sherloc (09022015). Collection method: clinical testing. Allele origin: germline.
Comment: This sequence change replaces serine, which is neutral and polar, with proline, which is neutral and non-polar, at codon 800 of the NRXN1 protein (p.Ser800Pro). This variant is not present in population databases (gnomAD no frequency). This variant has not been reported in the literature in individuals affected with NRXN1-related conditions. An algorithm developed to predict the effect of missense changes on protein structure and function (PolyPhen-2) suggests that this variant is likely to be disruptive. In summary, the available evidence is currently insufficient to determine the role of this variant in disease. Therefore, it has been classified as a Variant of Uncertain Significance.